The following is an entry in ClinVar:

ClinVar aggregate classification (germline): Uncertain significance. Review status: criteria provided, multiple submitters, no conflicts (2 of 4 stars). 2 submissions from 2 submitters: Uncertain significance (2). Last evaluated 2026-05-19.

Conditions:
Renal cell carcinoma. Identifiers: Orphanet 217071, MedGen C0007134, MeSH D002292, MONDO:0005086, HP:0005584.
Hereditary cancer-predisposing syndrome. Also called: Tumor predisposition; Hereditary Cancer Syndrome; Neoplastic Syndromes, Hereditary; Hereditary neoplastic syndrome. Identifiers: Orphanet 140162, MedGen C0027672, MeSH D009386, MONDO:0015356.

Submissions (2):

Ambry Genetics
Classification: Uncertain significance for Hereditary cancer-predisposing syndrome. Last evaluated: 2026-05-19. Review status: criteria provided, single submitter. Criteria: Ambry Variant Classification Scheme 2023. Collection method: clinical testing. Allele origin: germline.
Comment: The p.W586C variant (also known as c.1758G>T), located in coding exon 5 of the MET gene, results from a G to T substitution at nucleotide position 1758. The tryptophan at codon 586 is replaced by cysteine, an amino acid with highly dissimilar properties. This amino acid position is conserved. In addition, this alteration is predicted to be deleterious by in silico analysis. Based on the available evidence, the clinical significance of this variant remains unclear.

Labcorp Genetics (formerly Invitae), Labcorp
Classification: Uncertain significance for Renal cell carcinoma. Last evaluated: 2024-06-30. Review status: criteria provided, single submitter. Criteria: Invitae Variant Classification Sherloc (09022015). Collection method: clinical testing. Allele origin: germline.
Comment: This sequence change replaces tryptophan, which is neutral and slightly polar, with cysteine, which is neutral and slightly polar, at codon 586 of the MET protein (p.Trp586Cys). This variant is not present in population databases (gnomAD no frequency). This variant has not been reported in the literature in individuals affected with MET-related conditions. ClinVar contains an entry for this variant (Variation ID: 575058). Advanced modeling of protein sequence and biophysical properties (such as structural, functional, and spatial information, amino acid conservation, physicochemical variation, residue mobility, and thermodynamic stability) performed at Invitae indicates that this missense variant is expected to disrupt MET protein function with a positive predictive value of 80%. In summary, the available evidence is currently insufficient to determine the role of this variant in disease. Therefore, it has been classified as a Variant of Uncertain Significance.

NM_000245.4(MET):c.1758G>T (p.Trp586Cys)

Gene: MET (MET proto-oncogene, receptor tyrosine kinase; plus strand). Cytogenetic location: 7q31.2.
Variant type: single nucleotide variant.
Coding change: c.1758G>T on transcript NM_000245.4 (MANE Select); coding-DNA position 1758, G replaced by T.
Protein change: p.Trp586Cys; replaces tryptophan 586 with cysteine.
Molecular consequence: missense variant.
Genome position (GRCh38, 1-based): chr7:116,755,411, G>T. VCF-style: chr7-116755411-G-T. GRCh37 (hg19) VCF-style: chr7-116395465-G-T.
Other names: c.1758G>T, p.Trp586Cys (NM_001127500.3, NM_001324401.3); c.468G>T, p.Trp156Cys (NM_001324402.2); short protein forms W586C, W156C.
Identifiers: ClinVar variation 575058 (VCV000575058.11), dbSNP rs1562920414, ClinGen allele CA368977735.